The following is an entry in ClinVar:

NM_031935.3(HMCN1):c.8787+4A>G

Gene: HMCN1 (hemicentin 1; plus strand). Cytogenetic location: 1q31.1.
Variant type: single nucleotide variant.
Coding change: c.8787+4A>G on transcript NM_031935.3 (MANE Select); 4 bases into the intron after coding-DNA position 8787, A replaced by G.
Molecular consequence: intron variant.
Genome position (GRCh38, 1-based): chr1:186,081,398, A>G. VCF-style: chr1-186081398-A-G. GRCh37 (hg19) VCF-style: chr1-186050530-A-G.
Identifiers: ClinVar variation 3629134 (VCV003629134.2).

ClinVar aggregate classification (germline): Uncertain significance (1 of 4 stars; one submission).

gnomAD v4.1: 5 of 1,598,336 alleles (0.00031%); highest among the groups gnomAD compares: Non-Finnish European, 0.00043%; no homozygotes.

Submission:

Labcorp Genetics (formerly Invitae), Labcorp
Classification: Uncertain significance. Last evaluated: 2024-02-09. Review status: criteria provided, single submitter. Criteria: Invitae Variant Classification Sherloc (09022015). Collection method: clinical testing. Allele origin: germline.
Comment: This sequence change falls in intron 56 of the HMCN1 gene. It does not directly change the encoded amino acid sequence of the HMCN1 protein. It affects a nucleotide within the consensus splice site. This variant is not present in population databases (gnomAD no frequency). This variant has not been reported in the literature in individuals affected with HMCN1-related conditions. Variants that disrupt the consensus splice site are a relatively common cause of aberrant splicing (PMID: 17576681, 9536098). Algorithms developed to predict the effect of sequence changes on RNA splicing suggest that this variant is not likely to affect RNA splicing. In summary, the available evidence is currently insufficient to determine the role of this variant in disease. Therefore, it has been classified as a Variant of Uncertain Significance.

Literature cited by the submitters: PubMed 17576681; PubMed 9536098.